The following is an entry in ClinVar:

NM_000218.3(KCNQ1):c.1394-35838G>A

Genes: KCNQ1 (potassium voltage-gated channel subfamily Q member 1; plus strand), KCNQ1OT1 (KCNQ1 opposite strand/antisense transcript 1; minus strand). Cytogenetic location: 11p15.5.
Variant type: single nucleotide variant.
Coding change: c.1394-35838G>A on transcript NM_000218.3 (MANE Select); 35838 bases into the intron before coding-DNA position 1394, G replaced by A.
Molecular consequence: intron variant. On other transcripts: non-coding transcript variant (1).
Genome position (GRCh38, 1-based): chr11:2,626,123, G>A. VCF-style: chr11-2626123-G-A. GRCh37 (hg19) VCF-style: chr11-2647353-G-A.
Other names: c.1124-35838G>A (NM_001406837.1); c.1298-35838G>A (NM_001406836.1); c.854-35838G>A (NM_001406838.1); c.1013-35838G>A (NM_181798.2).
Identifiers: ClinVar variation 5039577 (VCV005039577.1).

ClinVar aggregate classification (germline): Likely benign (1 of 4 stars; one submission).

gnomAD v4.1: 111 of 398,456 alleles (0.028%); highest among the groups gnomAD compares: African/African-American, 0.066%; no homozygotes.

Submission:

CeGaT Center for Human Genetics Tuebingen
Classification: Likely benign. Last evaluated: 2026-07-01. Review status: criteria provided, single submitter. Criteria: CeGaT Center For Human Genetics Tuebingen Variant Classification Criteria Version 2. Collection method: clinical testing. Allele origin: germline. Affected: yes. Observed: 1 variant allele.
Comment: KCNQ1OT1: BS2